The following is an entry in ClinVar:

NM_032436.4(CHAMP1):c.1367G>A (p.Arg456Gln)

Gene: CHAMP1 (chromosome alignment maintaining phosphoprotein 1; plus strand). Cytogenetic location: 13q34.
Variant type: single nucleotide variant.
Coding change: c.1367G>A on transcript NM_032436.4 (MANE Select); coding-DNA position 1367, G replaced by A.
Protein change: p.Arg456Gln; replaces arginine 456 with glutamine.
Molecular consequence: missense variant.
Genome position (GRCh38, 1-based): chr13:114,325,209, G>A. VCF-style: chr13-114325209-G-A. GRCh37 (hg19) VCF-style: chr13-115090684-G-A.
Other names: c.1367G>A, p.Arg456Gln (NM_001164144.3, NM_001164145.3); c.1367G>A (NM_032436.2); short protein forms R456Q.
Identifiers: ClinVar variation 3026133 (VCV003026133.23), dbSNP rs374095161, ClinGen allele CA7070797.

ClinVar aggregate classification (germline): Likely benign. Review status: criteria provided, multiple submitters, no conflicts (2 of 4 stars). 2 submissions from 2 submitters: Likely benign (2). Last evaluated 2024-03-25.

Conditions:
Inborn genetic diseases. Identifiers: MedGen C0950123, MeSH D030342.

Allele frequency attached by ClinVar (database versions not stated): ExAC 0.00004; gnomAD exomes 0.00004; ESP Exome Variant Server 0.00008; gnomAD 0.00009; TOPMed 0.00011.
gnomAD v4.1: 68 of 1,614,128 alleles (0.0042%); highest among the groups gnomAD compares: African/African-American, 0.025%; no homozygotes.

Submissions (2):

Ambry Genetics
Classification: Likely benign for Inborn genetic diseases. Last evaluated: 2024-03-25. Review status: criteria provided, single submitter. Criteria: Ambry Variant Classification Scheme 2023. Collection method: clinical testing. Allele origin: germline.

CeGaT Center for Human Genetics Tuebingen
Classification: Likely benign. Last evaluated: 2023-12-01. Review status: criteria provided, single submitter. Criteria: CeGaT Center For Human Genetics Tuebingen Variant Classification Criteria Version 2. Collection method: clinical testing. Allele origin: germline. Affected: yes. Observed: 1 variant allele.
Comment: CHAMP1: BP4, BS2